The following is an entry in ClinVar:

NM_000101.4(CYBA):c.574G>C (p.Asp192His)

Gene: CYBA (cytochrome b-245 alpha chain; minus strand). Cytogenetic location: 16q24.2.
Variant type: single nucleotide variant.
Coding change: c.574G>C on transcript NM_000101.4 (MANE Select); coding-DNA position 574, G replaced by C.
Protein change: p.Asp192His; replaces aspartic acid 192 with histidine.
Molecular consequence: missense variant.
Genome position (GRCh38, 1-based): chr16:88,643,367, C>G on the plus strand (G>C on the coding strand, the complement: CYBA is on the minus strand). VCF-style: chr16-88643367-C-G. GRCh37 (hg19) VCF-style: chr16-88709775-C-G.
Other names: short protein forms D192H.
Identifiers: ClinVar variation 948436 (VCV000948436.5), dbSNP rs777676283, ClinGen allele CA397056176.
Genomic context (GRCh38, chr16:88,643,367, plus strand): 5'-TATTGCAGGTGGGTGCACCTGGCGGGAGGGCAGGTCCGGGGCGAGGTCACACGACCTCGT[C>G]GGTCACCGGGATGGGGTTGACCTGGGGACCTCCCGGGGGTCCCCCCGCCGCCACCGCAGC-3'
Protein context (NP_000092.2, residues 182-195): GPQVNPIPVT[Asp192His]EVV

ClinVar aggregate classification (germline): Uncertain significance. Review status: criteria provided, single submitter (1 of 4 stars). 2 submissions from 2 submitters: Uncertain significance (1). 1 of the submissions does not count toward it. Last evaluated 2021-11-05.

Conditions:
Granulomatous disease, chronic, autosomal recessive, cytochrome b-negative. Also called: CGD DUE TO DEFICIENCY OF THE ALPHA SUBUNIT OF CYTOCHROME b; CGD, AUTOSOMAL RECESSIVE CYTOCHROME b-NEGATIVE; CYBA DEFICIENCY; GRANULOMATOUS DISEASE, CHRONIC, AUTOSOMAL RECESSIVE, 4; Chronic granulomatous disease, autosomal, due to deficiency of CYBA. Identifiers: Orphanet 379, MedGen C1856255, MONDO:0009308, OMIM 233690.
Chronic granulomatous disease. Identifiers: Orphanet 379, MedGen C0018203, MONDO:0018305.

Allele frequency attached by ClinVar (database versions not stated): TOPMed 0.00001.
gnomAD v4.1: 2 of 1,526,540 alleles (0.00013%); highest among the groups gnomAD compares: Admixed American, 0.0041%; no homozygotes.

Submissions (2):

Labcorp Genetics (formerly Invitae), Labcorp
Classification: Uncertain significance for Granulomatous disease, chronic, autosomal recessive, cytochrome b-negative. Last evaluated: 2021-11-05. Review status: criteria provided, single submitter. Criteria: Invitae Variant Classification Sherloc (09022015). Collection method: clinical testing. Allele origin: germline.
Comment: This sequence change replaces aspartic acid, which is acidic and polar, with histidine, which is basic and polar, at codon 192 of the CYBA protein (p.Asp192His). The frequency data for this variant in the population databases is considered unreliable, as metrics indicate poor data quality at this position in the gnomAD database. This variant has not been reported in the literature in individuals affected with CYBA-related conditions. ClinVar contains an entry for this variant (Variation ID: 948436). Algorithms developed to predict the effect of missense changes on protein structure and function are either unavailable or do not agree on the potential impact of this missense change (SIFT: "Deleterious"; PolyPhen-2: "Probably Damaging"; Align-GVGD: "Class C0"). In summary, the available evidence is currently insufficient to determine the role of this variant in disease. Therefore, it has been classified as a Variant of Uncertain Significance.

Natera, Inc.
Classification: Uncertain significance for Chronic granulomatous disease. Last evaluated: 2020-08-29. Review status: no assertion criteria provided. Collection method: clinical testing. Allele origin: germline. Not counted in ClinVar's aggregate classification.